The following is an entry in ClinVar:

NM_001903.5(CTNNA1):c.372G>A (p.Met124Ile)

Gene: CTNNA1 (catenin alpha 1; plus strand). Cytogenetic location: 5q31.2.
Variant type: single nucleotide variant.
Coding change: c.372G>A on transcript NM_001903.5 (MANE Select); coding-DNA position 372, G replaced by A.
Protein change: p.Met124Ile; replaces methionine 124 with isoleucine.
Molecular consequence: missense variant. On other transcripts: initiator codon variant (1).
Genome position (GRCh38, 1-based): chr5:138,810,108, G>A. VCF-style: chr5-138810108-G-A. GRCh37 (hg19) VCF-style: chr5-138145797-G-A.
Other names: c.372G>A, p.Met124Ile (NM_001290307.3, NM_001323982.2, NM_001323983.1 and 3 more transcripts); c.63G>A, p.Met21Ile (NM_001290309.3); c.3G>A, p.Met1Ile (NM_001290310.3); short protein forms M21I, M124I, M1I.
Identifiers: ClinVar variation 2089398 (VCV002089398.5), dbSNP rs35788568, ClinGen allele CA128219041.

ClinVar aggregate classification (germline): Uncertain significance (1 of 4 stars; one submission).

Submission:

Labcorp Genetics (formerly Invitae), Labcorp
Classification: Uncertain significance. Last evaluated: 2024-12-30. Review status: criteria provided, single submitter. Criteria: Invitae Variant Classification Sherloc (09022015). Collection method: clinical testing. Allele origin: germline.
Comment: This sequence change replaces methionine, which is neutral and non-polar, with isoleucine, which is neutral and non-polar, at codon 124 of the CTNNA1 protein (p.Met124Ile). This variant is not present in population databases (gnomAD no frequency). This variant has not been reported in the literature in individuals affected with CTNNA1-related conditions. ClinVar contains an entry for this variant (Variation ID: 2089398). Invitae Evidence Modeling of protein sequence and biophysical properties (such as structural, functional, and spatial information, amino acid conservation, physicochemical variation, residue mobility, and thermodynamic stability) indicates that this missense variant is not expected to disrupt CTNNA1 protein function with a negative predictive value of 80%. In summary, the available evidence is currently insufficient to determine the role of this variant in disease. Therefore, it has been classified as a Variant of Uncertain Significance.